The following is an entry in ClinVar:

NM_000426.4(LAMA2):c.3434G>A (p.Cys1145Tyr)

Gene: LAMA2 (laminin subunit alpha 2; plus strand). Cytogenetic location: 6q22.33.
Variant type: single nucleotide variant.
Coding change: c.3434G>A on transcript NM_000426.4 (MANE Select); coding-DNA position 3434, G replaced by A.
Protein change: p.Cys1145Tyr; replaces cysteine 1145 with tyrosine.
Molecular consequence: missense variant.
Genome position (GRCh38, 1-based): chr6:129,314,677, G>A. VCF-style: chr6-129314677-G-A. GRCh37 (hg19) VCF-style: chr6-129635822-G-A.
Other names: c.3434G>A, p.Cys1145Tyr (NM_001079823.2); short protein forms C1145Y.
Identifiers: ClinVar variation 5043329 (VCV005043329.1).

ClinVar aggregate classification (germline): Uncertain significance (1 of 4 stars; one submission).

Conditions:
Muscular dystrophy, limb-girdle, autosomal recessive 23. Identifiers: Orphanet 565837, MedGen C4748327, MONDO:0029136, OMIM 618138.

Submission:

UAEU Genomics Laboratory, United Arab Emirates University
Classification: Uncertain significance for Muscular dystrophy, limb-girdle, autosomal recessive 23. Last evaluated: 2024-05-05. Review status: criteria provided, single submitter. Criteria: ACMG Guidelines, 2015. Collection method: research. Allele origin: unknown. Affected: yes. Observed: 1 variant allele.
Comment: PM2, PP3